The following is an entry in ClinVar:

ClinVar aggregate classification (germline): Benign. Review status: criteria provided, multiple submitters, no conflicts (2 of 4 stars). 4 submissions from 4 submitters: Benign (3). 1 of the submissions does not count toward it. Last evaluated 2026-01-18.

Conditions:
RNF213-related disorder. Also called: RNF213-related condition.

Allele frequency attached by ClinVar (database versions not stated): gnomAD exomes 0.00065 and 0.00194; ExAC 0.00231; 1000 Genomes Project 0.00739; TOPMed 0.00757; 1000 Genomes Project 30x 0.00781; gnomAD 0.00704 and 0.00672; ESP Exome Variant Server 0.00823.
gnomAD v4.1: 2,007 of 1,614,136 alleles (0.12%); highest among the groups gnomAD compares: African/African-American, 2.3%; 30 homozygotes.

Submissions (4):

Labcorp Genetics (formerly Invitae), Labcorp
Classification: Benign. Last evaluated: 2026-01-18. Review status: criteria provided, single submitter. Criteria: Invitae Variant Classification Sherloc (09022015). Collection method: clinical testing. Allele origin: germline.

Mayo Clinic Laboratories, Mayo Clinic
Classification: Benign. Last evaluated: 2024-12-30. Review status: criteria provided, single submitter. Criteria: ACMG Guidelines, 2015. Collection method: clinical testing. Allele origin: germline. Observed: 2 variant alleles.
Comment: BS1, BS2, BP4_strong

Breakthrough Genomics
Classification: Benign. Review status: criteria provided, single submitter. Criteria: ACMG Guidelines, 2015. Collection method: not provided. Allele origin: germline. Inheritance: Autosomal dominant inheritance. Affected: yes.

PreventionGenetics, part of Exact Sciences
Classification: Benign for RNF213-related condition. Last evaluated: 2019-04-11. Review status: no assertion criteria provided. Collection method: clinical testing. Allele origin: germline. Not counted in ClinVar's aggregate classification.
Comment: This variant is classified as benign based on ACMG/AMP sequence variant interpretation guidelines (Richards et al. 2015 PMID: 25741868, with internal and published modifications).

NM_001256071.3(RNF213):c.9727A>G (p.Thr3243Ala)

Gene: RNF213 (ring finger protein 213; plus strand). Cytogenetic location: 17q25.3.
Variant type: single nucleotide variant.
Coding change: c.9727A>G on transcript NM_001256071.3 (MANE Select); coding-DNA position 9727, A replaced by G.
Protein change: p.Thr3243Ala; replaces threonine 3243 with alanine.
Molecular consequence: missense variant.
Genome position (GRCh38, 1-based): chr17:80,348,062, A>G. VCF-style: chr17-80348062-A-G. GRCh37 (hg19) VCF-style: chr17-78321862-A-G.
Other names: p.Thr3243Ala; short protein forms T3243A.
Identifiers: ClinVar variation 768920 (VCV000768920.13), dbSNP rs112401479, ClinGen allele CA8821187.
Genomic context (GRCh38, chr17:80,348,062, plus strand): 5'-TCGGACGCCTGCGCGTCTGTGGTGCTGCAGGTCATAGAGAGGCAGGGTCCCCGGGCCTTG[A>G]CGGAGGAACTTCACCAGAAGGTGTCTGAGGAGGCCAAATCGATCCTGCTGAACTGCGCTA-3'
Protein context (NP_001243000.2, residues 3233-3253): VIERQGPRAL[Thr3243Ala]EELHQKVSEE